The following is an entry in ClinVar:

NM_006757.4(TNNT3):c.187C>T (p.Arg63Cys)

Gene: TNNT3 (troponin T3, fast skeletal type; plus strand). Cytogenetic location: 11p15.5.
Variant type: single nucleotide variant.
Coding change: c.187C>T on transcript NM_006757.4 (MANE Select); coding-DNA position 187, C replaced by T.
Protein change: p.Arg63Cys; replaces arginine 63 with cysteine.
Molecular consequence: missense variant. On other transcripts: 5 prime UTR variant (2).
Genome position (GRCh38, 1-based): chr11:1,933,736, C>T. VCF-style: chr11-1933736-C-T. GRCh37 (hg19) VCF-style: chr11-1954966-C-T.
Other names: p.Arg63Cys; c.163C>T, p.Arg55Cys (NM_001042780.3, NM_001042782.3, NM_001297646.2 and 2 more transcripts); c.181C>T, p.Arg61Cys (NM_001042781.3, NM_001367842.1, NM_001367843.1); c.196C>T, p.Arg66Cys (NM_001363561.2, NM_001367847.1); c.220C>T, p.Arg74Cys (NM_001367846.1); c.184C>T, p.Arg62Cys (NM_001367848.1); c.175C>T, p.Arg59Cys (NM_001367849.1); c.130C>T, p.Arg44Cys (NM_001367850.1); and 1 more; short protein forms R63C, R62C, R66C, R44C, R55C, R61C, R74C, R59C.
Identifiers: ClinVar variation 31874 (VCV000031874.22), dbSNP rs199474721, ClinGen allele CA208350.

ClinVar aggregate classification (germline): Pathogenic/Likely pathogenic. Review status: criteria provided, multiple submitters, no conflicts (2 of 4 stars). 12 submissions from 12 submitters: Pathogenic (4); Likely pathogenic (4). 4 of the submissions do not count toward it. Last evaluated 2025-11-18.

Conditions:
Sheldon-Hall syndrome. Also called: Freeman Sheldon syndrome, variant. Identifiers: Orphanet 1147, MedGen C1834523, MONDO:0011128.
TNNT3-related disorder. Also called: TNNT3-related condition.
Arthrogryposis, distal, type 2B2. Identifiers: MedGen C5193097, MONDO:0032750, OMIM 618435.

Submissions (12):

3billion
Classification: Pathogenic for Arthrogryposis, distal, type 2B2. Last evaluated: 2025-11-18. Review status: criteria provided, single submitter. Criteria: ACMG Guidelines, 2015. Collection method: clinical testing. Allele origin: germline. Affected: yes.
Comment: The variant is not observed in the gnomAD v4.1.0 dataset. Predicted Consequence/Location: Missense variant. Missense changes are a common disease-causing mechanism. In silico tool predictions suggest damaging effect of the variant on gene or gene product [REVEL: 0.89 (>=0.6, sensitivity 0.68 and specificity 0.92); 3Cnet: 0.99 (> 0.75, sensitivity 0.96 and precision 0.92)]. The same nucleotide change resulting in the same amino acid change has been previously reported as pathogenic/likely pathogenic with strong evidence (ClinVar ID: VCV000031874 /PMID: 21402185 /3billion dataset). Different missense changes at the same codon (p.Arg63His, p.Arg63Ser) have been reported as pathogenic/likely pathogenic with strong evidence (ClinVar ID: VCV000008913, VCV001172549 /PMID: 12865991, 23401156 /3billion dataset). Therefore, this variant is classified as Pathogenic according to the recommendation of ACMG/AMP guideline.

Genomic Medicine Center of Excellence, King Faisal Specialist Hospital and Research Centre
Classification: Likely pathogenic for Arthrogryposis, distal, type 2B2. Last evaluated: 2024-12-19. Review status: criteria provided, single submitter. Criteria: ACMG Guidelines, 2015. Collection method: clinical testing. Allele origin: germline.

Institute of Immunology and Genetics Kaiserslautern
Classification: Likely pathogenic for Arthrogryposis, distal, type 2B2. Last evaluated: 2023-10-12. Review status: criteria provided, single submitter. Criteria: ACMG Guidelines, 2015. Collection method: clinical testing. Allele origin: germline. Affected: yes.
Comment: ACMG Criteria: PM2, PM5, PP3, PP5; Variant was found in heterozygous state.

Foundation for Research in Genetics and Endocrinology, FRIGE's Institute of Human Genetics
Classification: Likely pathogenic for Arthrogryposis, distal, type 2B2. Last evaluated: 2022-12-15. Review status: criteria provided, single submitter. Criteria: ACMG Guidelines, 2015. Collection method: clinical testing. Allele origin: germline. Inheritance: Autosomal dominant inheritance. Affected: yes. Observed: 1 heterozygote.
Comment: A heterozygous missense variation in exon 10 of the TNNT3 gene that results in the amino acid substitution of Cysteine for Arginine at codon 63 (p.Arg63Cys) was detected . The observed variation has previously been reported in patients affected with distal arthrogryposis [PMID:21402185]. This variant has not been reported in the 1000 genomes, gnomAD databases. The in silico predictions of the variant are probably damaging by PolyPhen-2 (HumDiv) and damaging by SIFT, LRT and MutationTaster2. The reference codon is conserved across mammals. In summary, the variant meets our criteria to be classified as likely pathogenic.

GeneDx
Classification: Pathogenic. Last evaluated: 2021-12-10. Review status: criteria provided, single submitter. Criteria: GeneDx Variant Classification Process June 2021. Collection method: clinical testing. Allele origin: germline. Affected: yes.
Comment: Not observed in large population cohorts (Lek et al., 2016); In silico analysis, which includes protein predictors and evolutionary conservation, supports a deleterious effect; This variant is associated with the following publications: (PMID: 31230720, 23401156, 21402185, 26774798, 34766372, 33977145)

Blueprint Genetics
Classification: Pathogenic for TNNT3-related disorders. Last evaluated: 2020-08-27. Review status: criteria provided, single submitter. Criteria: ACMG Guidelines, 2015. Collection method: clinical testing. Allele origin: germline. Affected: yes. Observed: 1 variant allele.

SIB Swiss Institute of Bioinformatics
Classification: Likely pathogenic for Arthrogryposis, distal, type 2B2. Last evaluated: 2019-08-22. Review status: criteria provided, single submitter. Criteria: ACMG Guidelines, 2015. Collection method: curation. Allele origin: unknown.
Comment: This variant is interpreted as a Likely pathogenic for Arthrogryposis, distal, 2B2, autosomal dominant. The following ACMG Tag(s) were applied: PM2, PP3, PP1, PM5.

Genetic Services Laboratory, University of Chicago
Classification: Pathogenic for Arthyrgryposis, distal, type 2B. Last evaluated: 2015-07-01. Review status: criteria provided, single submitter. Criteria: ACMG Guidelines, 2015. Collection method: clinical testing. Allele origin: germline. Affected: yes.

Oxford Medical Genetics Laboratories, Oxford University Hospitals NHS Foundation Trust
Classification: Pathogenic for Arthrogryposis, distal, type 2B2. Last evaluated: 2019-05-03. Review status: no assertion criteria provided. Collection method: clinical testing. Allele origin: de novo. Affected: yes. Not counted in ClinVar's aggregate classification.

Leiden Muscular Dystrophy (TNNT3)
No classification provided. Last evaluated: 2012-03-18. Review status: no classification provided. Collection method: curation. Allele origin: germline. Not counted in ClinVar's aggregate classification.

OMIM
Classification: Pathogenic for ARTHROGRYPOSIS, DISTAL, TYPE 2B2. Last evaluated: 2011-05-01. Review status: no assertion criteria provided. Collection method: literature only. Allele origin: germline. Not counted in ClinVar's aggregate classification.

Lupski Lab, Baylor-Hopkins CMG, Baylor College of Medicine
Classification: Uncertain significance for Arthrogryposis, distal, type 2B2. Review status: no assertion criteria provided. Collection method: research. Allele origin: unknown. Inheritance: Autosomal dominant inheritance. Affected: yes. Observed: 1 variant allele, 1 heterozygote. Not counted in ClinVar's aggregate classification.

Literature cited by the submitters: PubMed 12865991 (cited by 3billion); PubMed 21402185 (cited by 3 submitters).